The following is an entry in ClinVar:

NM_007078.3(LDB3):c.99dup (p.Pro34fs)

Gene: LDB3 (LIM domain binding 3; plus strand). Cytogenetic location: 10q23.2.
Variant type: Duplication.
Coding change: c.99dup on transcript NM_007078.3 (MANE Select); coding-DNA position 99, one base duplicated (A; older notation c.99dupA).
Protein change: p.Pro34fs; shifts the reading frame from proline 34.
Molecular consequence: frameshift variant.
Genome position (GRCh38, 1-based): chr10:86,679,372, A duplicated. VCF-style (leftmost placement, unchanged base first): chr10-86679371-C-CA. GRCh37 (hg19) VCF-style: chr10-88439128-C-CA.
Other names: c.99dup, p.Pro34fs (NM_001080114.2, NM_001080115.2, NM_001080116.1 and 8 more transcripts); c.99dupA (NM_001080116.1); short protein forms P34fs.
Identifiers: ClinVar variation 532923 (VCV000532923.7), dbSNP rs1554849000, ClinGen allele CA658797459.

ClinVar aggregate classification (germline): Pathogenic (1 of 4 stars; one submission).

Conditions:
Myofibrillar myopathy 4. Also called: Zaspopathy (type). Identifiers: Orphanet 98912, MedGen C4721886, MONDO:0012277, OMIM 609452.

Submission:

Labcorp Genetics (formerly Invitae), Labcorp
Classification: Pathogenic for Myofibrillar myopathy 4. Last evaluated: 2024-04-17. Review status: criteria provided, single submitter. Criteria: Invitae Variant Classification Sherloc (09022015). Collection method: clinical testing. Allele origin: germline.
Comment: The LDB3 gene has multiple clinically relevant transcripts. This variant occurs in alternate transcript NM_007078.3, and corresponds to NM_001080116.1:c.99dup in the primary transcript. This sequence change creates a premature translational stop signal (p.Pro34Thrfs*14) in the LDB3 gene. It is expected to result in an absent or disrupted protein product in both transcripts. However, loss-of-function variants in LDB3 are only known to be pathogenic in the alternate transcript (PMID: 36253531). This variant is not present in population databases (gnomAD no frequency). This variant has not been reported in the literature in individuals affected with LDB3-related conditions. ClinVar contains an entry for this variant (Variation ID: 532923). For these reasons, this variant has been classified as Pathogenic.

Literature cited by the submitters: PubMed 36253531.